The following is an entry in ClinVar:

ClinVar aggregate classification (germline): Pathogenic (1 of 4 stars; one submission).

Conditions:
Hereditary cancer-predisposing syndrome. Also called: Tumor predisposition; Hereditary neoplastic syndrome; Hereditary Cancer Syndrome; Neoplastic Syndromes, Hereditary. Identifiers: Orphanet 140162, MedGen C0027672, MeSH D009386, MONDO:0015356.

Submission:

Ambry Genetics
Classification: Pathogenic for Hereditary cancer-predisposing syndrome. Last evaluated: 2026-01-27. Review status: criteria provided, single submitter. Criteria: Ambry Variant Classification Scheme 2023. Collection method: clinical testing. Allele origin: germline.
Comment: The c.7213_7214insG pathogenic mutation, located in coding exon 48 of the ATM gene, results from an insertion of one nucleotide at position 7213, causing a translational frameshift with a predicted alternate stop codon (p.M2405Sfs*7). This variant is considered to be rare based on population cohorts in the Genome Aggregation Database (gnomAD). This variant is expected to result in loss of function by premature protein truncation or nonsense-mediated mRNA decay. As such, this variant is interpreted as a disease-causing mutation.

NM_000051.4(ATM):c.7213_7214insG (p.Met2405fs)

Genes: ATM (ATM serine/threonine kinase; plus strand), C11orf65 (chromosome 11 open reading frame 65; minus strand). Cytogenetic location: 11q22.3.
Variant type: Insertion.
Coding change: c.7213_7214insG on transcript NM_000051.4 (MANE Select); coding-DNA positions 7213 to 7214, G inserted.
Protein change: p.Met2405fs; shifts the reading frame from methionine 2405.
Molecular consequence: frameshift variant. On other transcripts: intron variant (2).
Genome position: GRCh38 VCF-style: chr11-108329144-A-AG. GRCh37 (hg19) VCF-style: chr11-108199871-A-AG.
Other names: c.7213_7214insG, p.Met2405fs (NM_001351834.2); c.641-20074_641-20073insC (NM_001330368.2); c.*38+6075_*38+6076insC (NM_001351110.2); short protein forms M2405fs.
Identifiers: ClinVar variation 4825503 (VCV004825503.1).